The following is an entry in ClinVar:

ClinVar aggregate classification (germline): Conflicting classifications of pathogenicity. Review status: criteria provided, conflicting classifications (1 of 4 stars). 7 submissions from 7 submitters: Uncertain significance (1); Benign (2); Likely benign (4). Last evaluated 2026-01-27.

Conditions:
Prostate cancer, hereditary, 9 (HPC9). Identifiers: Orphanet 1331, MedGen C1970250, MONDO:0012597, OMIM 610997.
Hereditary cancer-predisposing syndrome. Also called: Neoplastic Syndromes, Hereditary; Tumor predisposition; Hereditary Cancer Syndrome; Hereditary neoplastic syndrome. Identifiers: Orphanet 140162, MedGen C0027672, MeSH D009386, MONDO:0015356.

Allele frequency attached by ClinVar (database versions not stated): gnomAD exomes 0.00007 and 0.00011; ExAC 0.00011; gnomAD 0.00013 and 0.00015; TOPMed 0.00013; ESP Exome Variant Server 0.00016.
gnomAD v4.1: 173 of 1,611,754 alleles (0.011%); highest among the groups gnomAD compares: Non-Finnish European, 0.014%; no homozygotes.

Submissions (7):

Labcorp Genetics (formerly Invitae), Labcorp
Classification: Likely benign. Last evaluated: 2026-01-27. Review status: criteria provided, single submitter. Criteria: Invitae Variant Classification Sherloc (09022015). Collection method: clinical testing. Allele origin: germline.

Quest Diagnostics Nichols Institute San Juan Capistrano
Classification: Likely benign. Last evaluated: 2025-03-12. Review status: criteria provided, single submitter. Criteria: Quest Diagnostics criteria. Collection method: clinical testing. Allele origin: unknown.

Myriad Genetics, Inc.
Classification: Benign for Prostate cancer, hereditary, 9. Last evaluated: 2024-10-28. Review status: criteria provided, single submitter. Criteria: Myriad Autosomal Dominant, Autosomal Recessive and X-Linked Classification Criteria (2023). Collection method: clinical testing. Allele origin: unknown.
Comment: This variant is considered benign. This variant is a silent/synonymous amino acid change and it is not expected to impact splicing.

Ambry Genetics
Classification: Likely benign for Hereditary cancer-predisposing syndrome. Last evaluated: 2023-12-14. Review status: criteria provided, single submitter. Criteria: Ambry Variant Classification Scheme 2023. Collection method: clinical testing. Allele origin: germline.

GeneDx
Classification: Uncertain significance. Last evaluated: 2023-09-28. Review status: criteria provided, single submitter. Criteria: GeneDx Variant Classification Process June 2021. Collection method: clinical testing. Allele origin: germline. Affected: yes.
Comment: In silico analysis supports that this variant does not alter splicing; Observed de novo in a child undergoing whole-exome sequencing for a history of neurodevelopmental disorder; however, the variant has not been observed in any individuals with cancer to our knowledge (PMID: 31785789); This variant is associated with the following publications: (PMID: 31785789)

Women's Health and Genetics/Laboratory Corporation of America, LabCorp
Classification: Benign. Last evaluated: 2023-09-21. Review status: criteria provided, single submitter. Criteria: LabCorp Variant Classification Summary - May 2015. Collection method: clinical testing. Allele origin: germline.

Sema4
Classification: Likely benign for Hereditary cancer-predisposing syndrome. Last evaluated: 2020-09-25. Review status: criteria provided, single submitter. Criteria: Sema4 Curation Guidelines. Collection method: curation. Allele origin: germline.

Literature cited by the submitters: PubMed 31785789 (cited by Quest Diagnostics Nichols Institute San Juan Capistrano).

NM_006361.6(HOXB13):c.6G>A (p.Glu2=)

Gene: HOXB13 (homeobox B13; minus strand). Cytogenetic location: 17q21.32.
Variant type: single nucleotide variant.
Coding change: c.6G>A on transcript NM_006361.6 (MANE Select); coding-DNA position 6, G replaced by A.
Protein change: p.Glu2=; no amino-acid change (glutamic acid 2 retained).
Molecular consequence: synonymous variant.
Genome position (GRCh38, 1-based): chr17:48,728,588, C>T on the plus strand (G>A on the coding strand, the complement: HOXB13 is on the minus strand). VCF-style: chr17-48728588-C-T. GRCh37 (hg19) VCF-style: chr17-46805950-C-T.
Identifiers: ClinVar variation 483485 (VCV000483485.23), dbSNP rs371544984, ClinGen allele CA8634080.